The following is an entry in ClinVar:

ClinVar aggregate classification (germline): Uncertain significance (1 of 4 stars; one submission).

Conditions:
Thrombophilia due to protein S deficiency, autosomal recessive (THPH6). Identifiers: Orphanet 743, MedGen C3281092, MONDO:0013791, OMIM 614514. Disease mechanism: loss of function.

Submission:

Labcorp Genetics (formerly Invitae), Labcorp
Classification: Uncertain significance for Thrombophilia due to protein S deficiency, autosomal recessive. Last evaluated: 2024-02-07. Review status: criteria provided, single submitter. Criteria: Invitae Variant Classification Sherloc (09022015). Collection method: clinical testing. Allele origin: germline.
Comment: This sequence change replaces cysteine, which is neutral and slightly polar, with tyrosine, which is neutral and polar, at codon 252 of the PROS1 protein (p.Cys252Tyr). This variant is not present in population databases (gnomAD no frequency). This variant has not been reported in the literature in individuals affected with PROS1-related conditions. Advanced modeling of protein sequence and biophysical properties (such as structural, functional, and spatial information, amino acid conservation, physicochemical variation, residue mobility, and thermodynamic stability) has been performed at Invitae for this missense variant, however the output from this modeling did not meet the statistical confidence thresholds required to predict the impact of this variant on PROS1 protein function. In summary, the available evidence is currently insufficient to determine the role of this variant in disease. Therefore, it has been classified as a Variant of Uncertain Significance.

NM_000313.4(PROS1):c.755G>A (p.Cys252Tyr)

Gene: PROS1 (protein S; minus strand). Cytogenetic location: 3q11.1.
Variant type: single nucleotide variant.
Coding change: c.755G>A on transcript NM_000313.4 (MANE Select); coding-DNA position 755, G replaced by A.
Protein change: p.Cys252Tyr; replaces cysteine 252 with tyrosine.
Molecular consequence: missense variant.
Genome position (GRCh38, 1-based): chr3:93,898,542, C>T on the plus strand (G>A on the coding strand, the complement: PROS1 is on the minus strand). VCF-style: chr3-93898542-C-T. GRCh37 (hg19) VCF-style: chr3-93617386-C-T.
Other names: c.851G>A, p.Cys284Tyr (NM_001314077.2); short protein forms C284Y, C252Y.
Identifiers: ClinVar variation 3639615 (VCV003639615.2).